The following is an entry in ClinVar:

NM_001367561.1(DOCK7):c.4094T>G (p.Leu1365Arg)

Gene: DOCK7 (dedicator of cytokinesis 7; minus strand). Cytogenetic location: 1p31.3.
Variant type: single nucleotide variant.
Coding change: c.4094T>G on transcript NM_001367561.1 (MANE Select); coding-DNA position 4094, T replaced by G.
Protein change: p.Leu1365Arg; replaces leucine 1365 with arginine.
Molecular consequence: missense variant.
Genome position (GRCh38, 1-based): chr1:62,513,741, A>C on the plus strand (T>G on the coding strand, the complement: DOCK7 is on the minus strand). VCF-style: chr1-62513741-A-C. GRCh37 (hg19) VCF-style: chr1-62979412-A-C.
Other names: c.4094T>G, p.Leu1365Arg (NM_001271999.2, NM_001330614.2); c.4001T>G, p.Leu1334Arg (NM_001272000.2, NM_001272001.2, NM_033407.4); short protein forms L1334R, L1365R.
Identifiers: ClinVar variation 1021990 (VCV001021990.7), dbSNP rs936025764, ClinGen allele CA23783572.

ClinVar aggregate classification (germline): Uncertain significance (1 of 4 stars; one submission).

Conditions:
Developmental and epileptic encephalopathy, 23 (DEE23). Also called: Epileptic encephalopathy, early infantile, 23. Identifiers: Orphanet 411986, MedGen C4014492, MONDO:0014371, OMIM 615859.

Allele frequency attached by ClinVar (database versions not stated): TOPMed below 0.00001.

Submission:

Labcorp Genetics (formerly Invitae), Labcorp
Classification: Uncertain significance for Developmental and epileptic encephalopathy, 23. Last evaluated: 2020-09-10. Review status: criteria provided, single submitter. Criteria: Invitae Variant Classification Sherloc (09022015). Collection method: clinical testing. Allele origin: germline.
Comment: This sequence change replaces leucine with arginine at codon 1365 of the DOCK7 protein (p.Leu1365Arg). The leucine residue is moderately conserved and there is a moderate physicochemical difference between leucine and arginine. This variant is not present in population databases (ExAC no frequency). This variant has not been reported in the literature in individuals with DOCK7-related conditions. Algorithms developed to predict the effect of missense changes on protein structure and function are either unavailable or do not agree on the potential impact of this missense change (SIFT: "Tolerated"; PolyPhen-2: "Probably Damaging"; Align-GVGD: "Class C0"). In summary, the available evidence is currently insufficient to determine the role of this variant in disease. Therefore, it has been classified as a Variant of Uncertain Significance.